The following is an entry in ClinVar:

ClinVar aggregate classification (germline): Pathogenic (1 of 4 stars; one submission).

Conditions:
Hereditary hemorrhagic telangiectasia (HHT). Also called: ORW DISEASE; Osler Weber Rendu syndrome; OSLER-RENDU-WEBER DISEASE; Osler hemorrhagic telangiectasia syndrome. Identifiers: Orphanet 774, MedGen C0039445, MONDO:0019180. Disease mechanism: loss of function.

Submission:

Labcorp Genetics (formerly Invitae), Labcorp
Classification: Pathogenic for Hereditary hemorrhagic telangiectasia. Last evaluated: 2022-09-23. Review status: criteria provided, single submitter. Criteria: Invitae Variant Classification Sherloc (09022015). Collection method: clinical testing. Allele origin: germline.
Comment: This variant is a gross deletion of the genomic region encompassing exon(s) 9-10 of the ENG gene. This variant would be expected to be in-frame, preserving the integrity of the reading frame. A similar copy number variant has been observed in individual(s) with recurrent epistaxis, telangiectasia and multiple pulmonary arteriovenous malformations, and hereditary hemorrhagic telangiectasia (PMID: 20414677; Invitae). This variant is also known as exons 9A-9B deletions. This variant disrupts the p.Cys412 amino acid residue in ENG. Other variant(s) that disrupt this residue have been determined to be pathogenic (PMID: 15024723, 24196379, 25312062; Invitae). This suggests that this residue is clinically significant, and that variants that disrupt this residue are likely to be disease-causing. For these reasons, this variant has been classified as Pathogenic.

Literature cited by the submitters: PubMed 20414677; PubMed 15024723; PubMed 24196379; PubMed 25312062.

NC_000009.12:g.(?_127819612)_(127820047_?)del

Genes: ENG (endoglin; minus strand), LOC102723566 (uncharacterized LOC102723566; plus strand). Cytogenetic location: 9q34.11.
Variant type: Deletion.
Identifiers: ClinVar variation 583802 (VCV000583802.9).